The following is an entry in ClinVar:

NM_020975.6(RET):c.*576G>A

Gene: RET (ret proto-oncogene; plus strand). Cytogenetic location: 10q11.21.
Variant type: single nucleotide variant.
Coding change: c.*576G>A on transcript NM_020975.6 (MANE Select); 576 bases downstream of the stop codon, G replaced by A.
Molecular consequence: 3 prime UTR variant.
Genome position (GRCh38, 1-based): chr10:43,128,845, G>A. VCF-style: chr10-43128845-G-A. GRCh37 (hg19) VCF-style: chr10-43624293-G-A.
Other names: c.*576G>A (LRG_518t1).
Identifiers: ClinVar variation 299916 (VCV000299916.7), dbSNP rs185408658, ClinGen allele CA10628561.

ClinVar aggregate classification (germline): Benign/Likely benign. Review status: criteria provided, multiple submitters, no conflicts (2 of 4 stars). 5 submissions from 2 submitters: Benign (3); Likely benign (2). Last evaluated 2018-01-13.

Conditions:
Renal hypodysplasia/aplasia 1 (RHDA1). Also called: RENAL APLASIA; HEREDITARY RENAL APLASIA. Identifiers: Orphanet 411709, MedGen C1619700, MONDO:0024519, OMIM 191830.
Multiple endocrine neoplasia. Identifiers: Orphanet 276161, MedGen C0027662, MONDO:0017169.
Hirschsprung disease, susceptibility to, 1 (HSCR1). Also called: RET-Related Hirschsprung Disease. Identifiers: Orphanet 388, MedGen C3888239, MONDO:0007723, OMIM 142623.
Pheochromocytoma. Also called: MAX-Related Hereditary Paraganglioma-Pheochromocytoma Syndrome. Identifiers: Orphanet 29072, MedGen C0031511, MONDO:0008233, OMIM 171300, HP:0002666.

Allele frequency attached by ClinVar (database versions not stated): gnomAD 0.00044 and 0.00086; TOPMed 0.00061; gnomAD exomes 0.00100; 1000 Genomes Project 0.00220; 1000 Genomes Project 30x 0.00265.

Submissions (5):

Illumina Laboratory Services, Illumina
Classification: Benign for Hirschsprung disease, susceptibility to, 1. Last evaluated: 2018-01-13. Review status: criteria provided, single submitter. Criteria: ICSL Variant Classification Criteria 13 December 2019. Collection method: clinical testing. Allele origin: germline.
Comment: This variant was observed in the ICSL laboratory as part of a predisposition screen in an ostensibly healthy population. It had not been previously curated by ICSL or reported in the Human Gene Mutation Database (HGMD: prior to June 1st, 2018), and was therefore a candidate for classification through an automated scoring system. Utilizing variant allele frequency, disease prevalence and penetrance estimates, and inheritance mode, an automated score was calculated to assess if this variant is too frequent to cause the disease. Based on the score and internal cut-off values, a variant classified as benign is not then subjected to further curation. The score for this variant resulted in a classification of benign for this disease.

Illumina Laboratory Services, Illumina
Classification: Benign for Multiple endocrine neoplasia. Last evaluated: 2018-01-13. Review status: criteria provided, single submitter. Criteria: ICSL Variant Classification Criteria 13 December 2019. Collection method: clinical testing. Allele origin: germline.
Comment: the same text as in the submission from Illumina Laboratory Services, Illumina above.

Illumina Laboratory Services, Illumina
Classification: Likely benign for Renal hypodysplasia/aplasia 1. Last evaluated: 2018-01-13. Review status: criteria provided, single submitter. Criteria: ICSL Variant Classification Criteria 13 December 2019. Collection method: clinical testing. Allele origin: germline.
Comment: This variant was observed in the ICSL laboratory as part of a predisposition screen in an ostensibly healthy population. It had not been previously curated by ICSL or reported in the Human Gene Mutation Database (HGMD: prior to June 1st, 2018), and was therefore a candidate for classification through an automated scoring system. Utilizing variant allele frequency, disease prevalence and penetrance estimates, and inheritance mode, an automated score was calculated to assess if this variant is too frequent to cause the disease. Based on the score and internal cut-off values, a variant classified as likely benign is not then subjected to further curation. The score for this variant resulted in a classification of likely benign for this disease.

Illumina Laboratory Services, Illumina
Classification: Benign for Pheochromocytoma. Last evaluated: 2018-01-13. Review status: criteria provided, single submitter. Criteria: ICSL Variant Classification Criteria 13 December 2019. Collection method: clinical testing. Allele origin: germline.
Comment: the same text as in the submission from Illumina Laboratory Services, Illumina above.

Breakthrough Genomics
Classification: Likely benign. Review status: criteria provided, single submitter. Criteria: ACMG Guidelines, 2015. Collection method: not provided. Allele origin: germline. Inheritance: Autosomal dominant inheritance. Affected: yes.